The following is an entry in ClinVar:

ClinVar aggregate classification (germline): Uncertain significance (1 of 4 stars; one submission).

Conditions:
Cardiovascular phenotype. Identifiers: MedGen CN230736.

Allele frequency attached by ClinVar (database versions not stated): gnomAD exomes below 0.00001; gnomAD 0.00001; TOPMed 0.00003.
gnomAD v4.1: 3 of 1,431,812 alleles (0.00021%); highest among the groups gnomAD compares: African/African-American, 0.0045%; no homozygotes.

Submission:

Ambry Genetics
Classification: Uncertain significance for Cardiovascular phenotype. Last evaluated: 2025-02-06. Review status: criteria provided, single submitter. Criteria: Ambry Variant Classification Scheme 2023. Collection method: clinical testing. Allele origin: germline.
Comment: The p.A1017T variant (also known as c.3049G>A), located in coding exon 1 of the ZNF469 gene, results from a G to A substitution at nucleotide position 3049. The alanine at codon 1017 is replaced by threonine, an amino acid with similar properties. This amino acid position is conserved. In addition, this alteration is predicted to be tolerated by in silico analysis. Since supporting evidence is limited at this time, the clinical significance of this alteration remains unclear.

NM_001367624.2(ZNF469):c.3049G>A (p.Ala1017Thr)

Gene: ZNF469 (zinc finger protein 469; plus strand). Cytogenetic location: 16q24.2.
Variant type: single nucleotide variant.
Coding change: c.3049G>A on transcript NM_001367624.2 (MANE Select); coding-DNA position 3049, G replaced by A.
Protein change: p.Ala1017Thr; replaces alanine 1017 with threonine.
Molecular consequence: missense variant.
Genome position (GRCh38, 1-based): chr16:88,430,519, G>A. VCF-style: chr16-88430519-G-A. GRCh37 (hg19) VCF-style: chr16-88496927-G-A.
Other names: NM_001127464.1:c.3049G>A; short protein forms A1017T.
Identifiers: ClinVar variation 1799221 (VCV001799221.4), dbSNP rs917538372, ClinGen allele CA286374379.